The following is an entry in ClinVar:

ClinVar aggregate classification (germline): Likely pathogenic (1 of 4 stars; one submission).

Submission:

Labcorp Genetics (formerly Invitae), Labcorp
Classification: Likely pathogenic. Last evaluated: 2024-01-24. Review status: criteria provided, single submitter. Criteria: Invitae Variant Classification Sherloc (09022015). Collection method: clinical testing. Allele origin: germline.
Comment: This sequence change affects an acceptor splice site in intron 17 of the PTPN23 gene. It is expected to disrupt RNA splicing. Variants that disrupt the donor or acceptor splice site typically lead to a loss of protein function (PMID: 16199547), and loss-of-function variants in PTPN23 are known to be pathogenic (PMID: 29090338, 29899372). This variant is not present in population databases (gnomAD no frequency). This variant has not been reported in the literature in individuals affected with PTPN23-related conditions. ClinVar contains an entry for this variant (Variation ID: 1345132). Algorithms developed to predict the effect of sequence changes on RNA splicing suggest that this variant may disrupt the consensus splice site. In summary, the currently available evidence indicates that the variant is pathogenic, but additional data are needed to prove that conclusively. Therefore, this variant has been classified as Likely Pathogenic.

Literature cited by the submitters: PubMed 16199547; PubMed 29090338; PubMed 29899372.

NM_015466.4(PTPN23):c.1798-2A>T

Gene: PTPN23 (protein tyrosine phosphatase non-receptor type 23; plus strand). Cytogenetic location: 3p21.31.
Variant type: single nucleotide variant.
Coding change: c.1798-2A>T on transcript NM_015466.4 (MANE Select); the canonical splice acceptor site of the intron before coding-DNA position 1798, A replaced by T.
Molecular consequence: splice acceptor variant.
Genome position (GRCh38, 1-based): chr3:47,409,415, A>T. VCF-style: chr3-47409415-A-T. GRCh37 (hg19) VCF-style: chr3-47450905-A-T.
Other names: c.1420-2A>T (NM_001304482.2).
Identifiers: ClinVar variation 1345132 (VCV001345132.8), dbSNP rs2107720258, ClinGen allele CA352555145.